The following is an entry in ClinVar:

ClinVar aggregate classification (germline): Pathogenic. Review status: criteria provided, multiple submitters, no conflicts (2 of 4 stars). 2 submissions from 2 submitters: Pathogenic (2). Last evaluated 2025-01-27.

Conditions:
Hereditary cancer-predisposing syndrome. Also called: Neoplastic Syndromes, Hereditary; Tumor predisposition; Hereditary neoplastic syndrome; Hereditary Cancer Syndrome. Identifiers: Orphanet 140162, MedGen C0027672, MeSH D009386, MONDO:0015356.
BAP1-related tumor predisposition syndrome (TPDS1). Also called: BAP1 tumor predisposition syndrome; TUMOR PREDISPOSITION SYNDROME 1; Tumor susceptibility linked to germline BAP1 mutations; COMMON Syndrome. Identifiers: Orphanet 289539, MedGen C3280492, MONDO:0013692, OMIM 614327.

Submissions (2):

Ambry Genetics
Classification: Pathogenic for Hereditary cancer-predisposing syndrome. Last evaluated: 2025-01-27. Review status: criteria provided, single submitter. Criteria: Ambry Variant Classification Scheme 2023. Collection method: clinical testing. Allele origin: germline.
Comment: The c.1729+1delG pathogenic mutation, located in intron 13 of the BAP1 gene, results from a deletion of one nucleotide within intron 13, impacting the canonical donor site of coding exon 13 in the BAP1 gene. This variant has been observed in at least one individual with a personal and/or family history that is consistent with BAP1-related tumor predisposition syndrome (Yaghy A et al. Retin Cases Brief Rep. 2022 Mar;16(2):194-198). This alteration was non-functional in a high throughput genome editing haploid cell survival functional assay (Waters AJ et al. Nat Genet, 2024 Jul;56:1434-1445). This nucleotide position is highly conserved in available vertebrate species. In silico splice site analysis predicts that this alteration will weaken the native splice donor site. RNA studies have demonstrated that this alteration results in abnormal splicing in the set of samples tested (Ambry internal data). Based on the supporting evidence, this variant is interpreted as a disease-causing mutation.

Labcorp Genetics (formerly Invitae), Labcorp
Classification: Pathogenic for BAP1-related tumor predisposition syndrome. Last evaluated: 2018-04-15. Review status: criteria provided, single submitter. Criteria: Invitae Variant Classification Sherloc (09022015). Collection method: clinical testing. Allele origin: germline.
Comment: This sequence change affects a donor splice site in intron 13 of the BAP1 gene. It is expected to disrupt RNA splicing and likely results in an absent or disrupted protein product. This variant is not present in population databases (ExAC no frequency). This variant has not been reported in the literature in individuals with BAP1-related disease. Algorithms developed to predict the effect of sequence changes on RNA splicing suggest that this variant may disrupt the consensus splice site, but this prediction has not been confirmed by published transcriptional studies. A different variant affecting this nucleotide (c.1729+1G>A) has been determined to be pathogenic (PMID: 26719535). This suggests that this nucleotide is important for normal RNA splicing, and that other variants at this position may also be pathogenic. Donor and acceptor splice site variants typically lead to a loss of protein function (PMID: 16199547), and loss-of-function variants in BAP1 are known to be pathogenic (PMID: 21874000, 23684012). For these reasons, this variant has been classified as Pathogenic.

Literature cited by the submitters: PubMed 31895725 (cited by Ambry Genetics); PubMed 38969833 (cited by Ambry Genetics); PubMed 26719535 (cited by Labcorp Genetics (formerly Invitae), Labcorp); PubMed 16199547 (cited by Labcorp Genetics (formerly Invitae), Labcorp); PubMed 21874000 (cited by Labcorp Genetics (formerly Invitae), Labcorp); PubMed 23684012 (cited by Labcorp Genetics (formerly Invitae), Labcorp).

NM_004656.4(BAP1):c.1729+1del

Gene: BAP1 (BRCA1 associated deubiquitinase 1; minus strand). Cytogenetic location: 3p21.1.
Variant type: Deletion.
Coding change: c.1729+1del on transcript NM_004656.4 (MANE Select); the canonical splice donor site of the intron after coding-DNA position 1729, one base deleted (G; older notation c.1729+1delG).
Molecular consequence: splice donor variant.
Genome position (GRCh38, 1-based): chr3:52,403,415, C deleted on the plus strand (G on the coding strand, the reverse complement: BAP1 is on the minus strand); the first of 2 consecutive C bases (chr3:52,403,415-52,403,416); deleting either gives the same sequence. VCF-style (leftmost placement, unchanged base first): chr3-52403414-AC-A. GRCh37 (hg19) VCF-style: chr3-52437430-AC-A.
Other names: c.1729+1delG (NM_004656.3, NM_004656.2); c.1675+1del (NM_001410772.1).
Identifiers: ClinVar variation 578825 (VCV000578825.8), dbSNP rs1559586374, ClinGen allele CA891842891.
Genomic context (GRCh38, chr3:52,403,414, plus strand): 5'-TGGCCACTTCCCTCCTCCCTCCTGGGTGCACCAAGTGGCCAGTGAGCCAGTCCAAGGCCC[AC>A]CTGTCAGCGCCAGGGGACTCAGCACCCCATCCTCAGCCAGGTGCAGCAGGCCTGTGCTGA-3'